The following is an entry in ClinVar:

NM_013262.4(MYLIP):c.984G>T (p.Arg328Ser)

Gene: MYLIP (myosin regulatory light chain interacting protein; plus strand). Cytogenetic location: 6p22.3.
Variant type: single nucleotide variant.
Coding change: c.984G>T on transcript NM_013262.4 (MANE Select); coding-DNA position 984, G replaced by T.
Protein change: p.Arg328Ser; replaces arginine 328 with serine.
Molecular consequence: missense variant.
Genome position (GRCh38, 1-based): chr6:16,145,053, G>T. VCF-style: chr6-16145053-G-T. GRCh37 (hg19) VCF-style: chr6-16145284-G-T.
Other names: short protein forms R328S.
Identifiers: ClinVar variation 2607937 (VCV002607937.2), dbSNP rs2532248496, ClinGen allele CA362798175.

ClinVar aggregate classification (germline): Uncertain significance (1 of 4 stars; one submission).

Submission:

Ambry Genetics
Classification: Uncertain significance. Last evaluated: 2023-06-29. Review status: criteria provided, single submitter. Criteria: Ambry Variant Classification Scheme 2023. Collection method: clinical testing. Allele origin: germline.
Comment: Does not currently meet published gene-disease clinical validity criteria Based on insufficient or conflicting evidence, the clinical significance of this alteration remains unclear.

Literature cited by the submitters: PubMed 28106320.